The following is an entry in ClinVar:

ClinVar aggregate classification (germline): Uncertain significance. Review status: criteria provided, multiple submitters, no conflicts (2 of 4 stars). 2 submissions from 2 submitters: Uncertain significance (2). Last evaluated 2026-01-30.

Submissions (2):

GeneDx
Classification: Uncertain significance. Last evaluated: 2026-01-30. Review status: criteria provided, single submitter. Criteria: GeneDx Variant Classification Process June 2021. Collection method: clinical testing. Allele origin: germline.
Comment: Not observed at significant frequency in large population cohorts (gnomAD); In silico analysis supports that this missense variant has a deleterious effect on protein structure/function; Has not been previously published as pathogenic or benign to our knowledge

Athena Diagnostics
Classification: Uncertain significance. Last evaluated: 2025-01-13. Review status: criteria provided, single submitter. Criteria: Athena Diagnostics Criteria. Collection method: clinical testing. Allele origin: unknown.
Comment: Available data are insufficient to determine the clinical significance of the variant at this time. This variant has not been reported in large, multi-ethnic general populations. Polyphen and MutationTaster predict this amino acid change may be damaging to the protein.

NM_000144.5(FXN):c.473C>T (p.Ser158Phe)

Gene: FXN (frataxin; plus strand). Cytogenetic location: 9q21.11.
Variant type: single nucleotide variant.
Coding change: c.473C>T on transcript NM_000144.5 (MANE Select); coding-DNA position 473, C replaced by T.
Protein change: p.Ser158Phe; replaces serine 158 with phenylalanine.
Molecular consequence: missense variant.
Genome position (GRCh38, 1-based): chr9:69,065,026, C>T. VCF-style: chr9-69065026-C-T. GRCh37 (hg19) VCF-style: chr9-71679942-C-T.
Other names: c.473C>T, p.Ser158Phe (NM_181425.3); short protein forms S158F.
Identifiers: ClinVar variation 4682175 (VCV004682175.2).